The following is an entry in ClinVar:

NM_001371986.1(UNC80):c.5641C>A (p.Arg1881Ser)

Gene: UNC80 (unc-80 homolog, NALCN channel complex subunit; plus strand). Cytogenetic location: 2q34.
Variant type: single nucleotide variant.
Coding change: c.5641C>A on transcript NM_001371986.1 (MANE Select); coding-DNA position 5641, C replaced by A.
Protein change: p.Arg1881Ser; replaces arginine 1881 with serine.
Molecular consequence: missense variant.
Genome position (GRCh38, 1-based): chr2:209,922,362, C>A. VCF-style: chr2-209922362-C-A. GRCh37 (hg19) VCF-style: chr2-210787086-C-A.
Other names: c.5443C>A, p.Arg1815Ser (NM_032504.2); c.5428C>A, p.Arg1810Ser (NM_182587.4); short protein forms R1881S, R1810S, R1815S.
Identifiers: ClinVar variation 2104346 (VCV002104346.2), dbSNP rs764903136, ClinGen allele CA350763087.

ClinVar aggregate classification (germline): Uncertain significance (1 of 4 stars; one submission).

Submission:

Labcorp Genetics (formerly Invitae), Labcorp
Classification: Uncertain significance. Last evaluated: 2022-11-03. Review status: criteria provided, single submitter. Criteria: Invitae Variant Classification Sherloc (09022015). Collection method: clinical testing. Allele origin: germline.
Comment: In summary, the available evidence is currently insufficient to determine the role of this variant in disease. Therefore, it has been classified as a Variant of Uncertain Significance. Advanced modeling of protein sequence and biophysical properties (such as structural, functional, and spatial information, amino acid conservation, physicochemical variation, residue mobility, and thermodynamic stability) performed at Invitae indicates that this missense variant is not expected to disrupt UNC80 protein function. This variant has not been reported in the literature in individuals affected with UNC80-related conditions. This variant is not present in population databases (gnomAD no frequency). This sequence change replaces arginine, which is basic and polar, with serine, which is neutral and polar, at codon 1815 of the UNC80 protein (p.Arg1815Ser).